The following is an entry in ClinVar:

ClinVar aggregate classification (germline): Uncertain significance (1 of 4 stars; one submission).

gnomAD v4.1: 1 of 1,612,490 alleles (0.000062%); highest among the groups gnomAD compares: Non-Finnish European, 0.000085%; no homozygotes.

Submission:

GeneDx
Classification: Uncertain significance. Last evaluated: 2023-12-17. Review status: criteria provided, single submitter. Criteria: GeneDx Variant Classification Process June 2021. Collection method: clinical testing. Allele origin: germline. Affected: yes.
Comment: Not observed at significant frequency in large population cohorts (gnomAD); In silico analysis supports that this missense variant has a deleterious effect on protein structure/function; Has not been previously published as pathogenic or benign to our knowledge

NM_006268.5(DPF2):c.1000G>A (p.Gly334Ser)

Gene: DPF2 (double PHD fingers 2; plus strand). Cytogenetic location: 11q13.1.
Variant type: single nucleotide variant.
Coding change: c.1000G>A on transcript NM_006268.5 (MANE Select); coding-DNA position 1000, G replaced by A.
Protein change: p.Gly334Ser; replaces glycine 334 with serine.
Molecular consequence: missense variant.
Genome position (GRCh38, 1-based): chr11:65,346,342, G>A. VCF-style: chr11-65346342-G-A. GRCh37 (hg19) VCF-style: chr11-65113813-G-A.
Other names: c.1042G>A, p.Gly348Ser (NM_001330308.2); short protein forms G334S, G348S.
Identifiers: ClinVar variation 3365846 (VCV003365846.1).